The following is an entry in ClinVar:

ClinVar aggregate classification (germline): Likely benign. Review status: criteria provided, multiple submitters, no conflicts (2 of 4 stars). 2 submissions from 2 submitters: Likely benign (2). Last evaluated 2025-10-17.

Conditions:
Hajdu-Cheney syndrome (HJCYS). Also called: Acroosteolysis dominant type; ACROOSTEOLYSIS WITH OSTEOPOROSIS AND CHANGES IN SKULL AND MANDIBLE; SERPENTINE FIBULA-POLYCYSTIC KIDNEY SYNDROME. Identifiers: Orphanet 955, MedGen C0917715, MONDO:0007057, OMIM 102500.
NOTCH2-related disorder. Also called: NOTCH2-related condition.

gnomAD v4.1: 5 of 1,614,008 alleles (0.00031%); highest among the groups gnomAD compares: Admixed American, 0.005%; no homozygotes.

Submissions (2):

Labcorp Genetics (formerly Invitae), Labcorp
Classification: Likely benign for Hajdu-Cheney syndrome. Last evaluated: 2025-10-17. Review status: criteria provided, single submitter. Criteria: Invitae Variant Classification Sherloc (09022015). Collection method: clinical testing. Allele origin: germline.

PreventionGenetics, part of Exact Sciences
Classification: Likely benign for NOTCH2-related condition. Last evaluated: 2024-10-12. Review status: criteria provided, single submitter. Criteria: ACMG Guidelines, 2015. Collection method: clinical testing. Allele origin: germline.
Comment: This variant is classified as likely benign based on ACMG/AMP sequence variant interpretation guidelines (Richards et al. 2015 PMID: 25741868, with internal and published modifications).

NM_024408.4(NOTCH2):c.2268G>T (p.Val756=)

Gene: NOTCH2 (notch receptor 2; minus strand). Cytogenetic location: 1p12.
Variant type: single nucleotide variant.
Coding change: c.2268G>T on transcript NM_024408.4 (MANE Select); coding-DNA position 2268, G replaced by T.
Protein change: p.Val756=; no amino-acid change (valine 756 retained).
Molecular consequence: synonymous variant.
Genome position (GRCh38, 1-based): chr1:119,953,640, C>A on the plus strand (G>T on the coding strand, the complement: NOTCH2 is on the minus strand). VCF-style: chr1-119953640-C-A. GRCh37 (hg19) VCF-style: chr1-120496263-C-A.
Other names: c.2268G>T (NM_024408.3); c.2268G>T, p.Val756= (NM_001200001.2).
Identifiers: ClinVar variation 4739874 (VCV004739874.2).
Genomic context (GRCh38, chr1:119,953,640, plus strand): 5'-CACCAGATTGTCACAAGTTCCTCCATTCTGGCATGGATTCGAAAGGCATTCATTTTTGTC[C>A]ACTTCACAGTTGATGCCAACCCAGCCTGCATCACAGAGACACTTATATCTGAAAGAAGAC-3'
Protein context (NP_077719.2, residues 746-766): DAGWVGINCE[Val756=]DKNECLSNPC